The following is an entry in ClinVar:

NM_000798.5(DRD5):c.216C>G (p.Arg72=)

Genes: DRD5 (dopamine receptor D5; plus strand), SLC2A9 (solute carrier family 2 member 9; minus strand). Cytogenetic location: 4p16.1.
Variant type: single nucleotide variant.
Coding change: c.216C>G on transcript NM_000798.5 (MANE Select); coding-DNA position 216, C replaced by G.
Protein change: p.Arg72=; no amino-acid change (arginine 72 retained).
Molecular consequence: synonymous variant.
Genome position (GRCh38, 1-based): chr4:9,782,245, C>G. VCF-style: chr4-9782245-C-G. GRCh37 (hg19) VCF-style: chr4-9783869-C-G.
Identifiers: ClinVar variation 3058787 (VCV003058787.2), dbSNP rs746485772, ClinGen allele CA2856456.

ClinVar aggregate classification (germline): Likely benign (0 of 4 stars; one submission).

Conditions:
DRD5-related disorder. Also called: DRD5-related condition.

gnomAD v4.1: 12 of 1,613,442 alleles (0.00074%); highest among the groups gnomAD compares: African/African-American, 0.012%; no homozygotes.

Submission:

PreventionGenetics, part of Exact Sciences
Classification: Likely benign for DRD5-related condition. Last evaluated: 2019-02-19. Review status: no assertion criteria provided. Collection method: clinical testing. Allele origin: germline.
Comment: This variant is classified as likely benign based on ACMG/AMP sequence variant interpretation guidelines (Richards et al. 2015 PMID: 25741868, with internal and published modifications).